The following is an entry in ClinVar:

NM_001365902.3(NFIX):c.346C>T (p.Arg116Trp)

Gene: NFIX (nuclear factor I X; plus strand). Cytogenetic location: 19p13.13.
Variant type: single nucleotide variant.
Coding change: c.346C>T on transcript NM_001365902.3 (MANE Select); coding-DNA position 346, C replaced by T.
Protein change: p.Arg116Trp; replaces arginine 116 with tryptophan.
Molecular consequence: missense variant.
Genome position (GRCh38, 1-based): chr19:13,025,339, C>T. VCF-style: chr19-13025339-C-T. GRCh37 (hg19) VCF-style: chr19-13136153-C-T.
Other names: c.370C>T, p.Arg124Trp (NM_001271043.2); c.322C>T, p.Arg108Trp (NM_001271044.3, NM_001378404.1); c.346C>T, p.Arg116Trp (NM_001365982.2, NM_002501.4); c.205C>T, p.Arg69Trp (NM_001365983.2); c.343C>T, p.Arg115Trp (NM_001365984.2, NM_001365985.2); c.394C>T, p.Arg132Trp (NM_001378405.1); short protein forms R116W, R69W, R124W, R108W, R115W, R132W.
Identifiers: ClinVar variation 559943 (VCV000559943.9), dbSNP rs1555696603, ClinGen allele CA404314512.

ClinVar aggregate classification (germline): Pathogenic. Review status: criteria provided, multiple submitters, no conflicts (2 of 4 stars). 5 submissions from 5 submitters: Pathogenic (5). Last evaluated 2024-11-01.

Conditions:
Malan overgrowth syndrome (MALNS). Also called: MALAN SYNDROME; Sotos syndrome 2; NFIX-Related Malan Syndrome. Identifiers: Orphanet 420179, MedGen C3553660, MONDO:0013885, OMIM 614753.
NFIX-related disorder. Also called: NFIX-related condition.

Submissions (5):

3billion
Classification: Pathogenic for NFIX-related disorder. Last evaluated: 2024-11-01. Review status: criteria provided, single submitter. Criteria: ACMG Guidelines, 2015. Collection method: clinical testing. Allele origin: germline. Affected: yes.
Comment: The variant is not observed in the gnomAD v4.1.0 dataset. Predicted Consequence/Location: The variant is located in a mutational hot spot and/or well-established functional domain in which established pathogenic variants have been reported (PMID: 29897170). In silico tool predictions suggest damaging effect of the variant on gene or gene product [REVEL: 0.75 (>=0.6, sensitivity 0.68 and specificity 0.92); 3Cnet: 0.99 (>=0.6, sensitivity 0.72 and precision 0.9)]. The same nucleotide change resulting in the same amino acid change has been previously reported as pathogenic/likely pathogenic with strong evidence (ClinVar ID: VCV000559943 /PMID: 28475857). Different missense changes at the same codon (p.Arg116Gln, p.Arg116Gly, p.Arg116Pro) have been reported as pathogenic/likely pathogenic with strong evidence (ClinVar ID: VCV001076498, VCV002575650 /PMID: 26193383, 28475857, 29897170 /3billion dataset). Therefore, this variant is classified as Pathogenic according to the recommendation of ACMG/AMP guideline.

GeneDx
Classification: Pathogenic. Last evaluated: 2024-06-17. Review status: criteria provided, single submitter. Criteria: GeneDx Variant Classification Process June 2021. Collection method: clinical testing. Allele origin: germline. Affected: yes.
Comment: Not observed at significant frequency in large population cohorts (gnomAD); In silico analysis supports that this missense variant has a deleterious effect on protein structure/function; This variant is associated with the following publications: (PMID: 31036916, 31369202, 22982744, 35970915, 28475857)

Institute of Human Genetics Munich, TUM University Hospital
Classification: Pathogenic for Malan overgrowth syndrome. Last evaluated: 2023-08-25. Review status: criteria provided, single submitter. Criteria: Classification criteria August 2017. Collection method: clinical testing. Allele origin: de novo. Inheritance: Autosomal dominant inheritance. Affected: yes. Observed: 1 variant allele.

PreventionGenetics, part of Exact Sciences
Classification: Pathogenic for NFIX-related condition. Last evaluated: 2023-05-03. Review status: criteria provided, single submitter. Criteria: ACMG Guidelines, 2015. Collection method: clinical testing. Allele origin: germline.
Comment: The NFIX c.346C>T variant is predicted to result in the amino acid substitution p.Arg116Trp. This variant has been reported as a de novo finding in multiple individuals diagnosed with NFIX related disorders including Malan syndrome (Hancarova et al. 2019. PubMed ID: 31369202; Lecoquierre et al. 2019. PubMed ID: 31036916; Tatton-Brown et al. 2017. PubMed ID: 28475857). Additionally, three alternate missense variants at this position have been reported in affected individuals, with some cases being de novo (p.Arg116Pro, p.Arg116Gln, p.Arg116Gly; Alternate nomenclature: NM_001271043.2:c.370C>T (p.Arg124Trp); Human Gene Mutation Database). This variant has not been reported in a large population database, indicating this variant is rare. This variant is interpreted as pathogenic.

Randwick Genomics Laboratory, Prince of Wales Hospital Sydney, Australia, New South Wales Health Pathology
Classification: Pathogenic for Malan overgrowth syndrome. Review status: criteria provided, single submitter. Criteria: ACMG Guidelines, 2015. Collection method: clinical testing. Allele origin: de novo. Affected: yes.
Comment: PS2, PM1, PM2, PM5, PS4_moderate, PP2, PP3

Trio, AD de novo

Literature cited by the submitters: PubMed 28475857 (cited by 3billion); PubMed 26193383 (cited by 3billion).